The following is an entry in ClinVar:

ClinVar aggregate classification (germline): Benign. Review status: criteria provided, multiple submitters, no conflicts (2 of 4 stars). 2 submissions from 2 submitters: Benign (2). Last evaluated 2018-06-18.

Allele frequency attached by ClinVar (database versions not stated): gnomAD 0.25193; 1000 Genomes Project 30x 0.26390; 1000 Genomes Project 0.26418; TOPMed 0.27691.
gnomAD v4.1: 148,413 of 564,246 alleles (26%); highest among the groups gnomAD compares: Middle Eastern, 36%; 21,055 homozygotes.

Submissions (2):

GeneDx
Classification: Benign. Last evaluated: 2018-06-18. Review status: criteria provided, single submitter. Criteria: GeneDx Variant Classification (06012015). Collection method: clinical testing. Allele origin: germline. Affected: yes.
Comment: This variant is considered likely benign or benign based on one or more of the following criteria: it is a conservative change, it occurs at a poorly conserved position in the protein, it is predicted to be benign by multiple in silico algorithms, and/or has population frequency not consistent with disease.

Breakthrough Genomics
Classification: Benign. Review status: criteria provided, single submitter. Criteria: ACMG Guidelines, 2015. Collection method: not provided. Allele origin: germline. Inheritance: Autosomal dominant inheritance. Affected: yes.

NM_020822.3(KCNT1):c.435-257G>C

Gene: KCNT1 (potassium sodium-activated channel subfamily T member 1; plus strand). Cytogenetic location: 9q34.3.
Variant type: single nucleotide variant.
Coding change: c.435-257G>C on transcript NM_020822.3 (MANE Select); 257 bases into the intron before coding-DNA position 435, G replaced by C.
Molecular consequence: intron variant.
Genome position (GRCh38, 1-based): chr9:135,753,680, G>C. VCF-style: chr9-135753680-G-C. GRCh37 (hg19) VCF-style: chr9-138645526-G-C.
Other names: c.291-257G>C (NM_001272003.2).
Identifiers: ClinVar variation 683563 (VCV000683563.2), dbSNP rs7019051, ClinGen allele CA13091578.
Genomic context (GRCh38, chr9:135,753,680, plus strand): 5'-CCAGTGTGTTGCTGTTGGGTTGGGGCTACCCCCAATCCCGCAGATGTGGGATGTACCCTC[G>C]CTGTCTGCCTGCTGGGCTGAGCAGTGGCCAGCCCAGCATTCCTCAGTTAGAGGCCCTCCT-3'